The following is an entry in ClinVar:

ClinVar aggregate classification (germline): Uncertain significance. Review status: criteria provided, multiple submitters, no conflicts (2 of 4 stars). 2 submissions from 2 submitters: Uncertain significance (2). Last evaluated 2025-10-16.

Allele frequency attached by ClinVar (database versions not stated): ExAC 0.00002; gnomAD exomes 0.00002; TOPMed 0.00005.
gnomAD v4.1: 11 of 1,614,236 alleles (0.00068%); highest among the groups gnomAD compares: Admixed American, 0.018%; no homozygotes.

Submissions (2):

Labcorp Genetics (formerly Invitae), Labcorp
Classification: Uncertain significance. Last evaluated: 2025-10-16. Review status: criteria provided, single submitter. Criteria: Invitae Variant Classification Sherloc (09022015). Collection method: clinical testing. Allele origin: germline.
Comment: This sequence change replaces proline, which is neutral and non-polar, with threonine, which is neutral and polar, at codon 482 of the CDHR1 protein (p.Pro482Thr). This variant is present in population databases (rs771248221, gnomAD 0.03%). This variant has not been reported in the literature in individuals affected with CDHR1-related conditions. ClinVar contains an entry for this variant (Variation ID: 2076060). Invitae Evidence Modeling of protein sequence and biophysical properties (such as structural, functional, and spatial information, amino acid conservation, physicochemical variation, residue mobility, and thermodynamic stability) indicates that this missense variant is not expected to disrupt CDHR1 protein function with a negative predictive value of 80%. In summary, the available evidence is currently insufficient to determine the role of this variant in disease. Therefore, it has been classified as a Variant of Uncertain Significance.

Blueprint Genetics
Classification: Uncertain significance. Last evaluated: 2018-07-03. Review status: criteria provided, single submitter. Criteria: ACMG Guidelines, 2015. Collection method: clinical testing. Allele origin: germline.

NM_033100.4(CDHR1):c.1444C>A (p.Pro482Thr)

Gene: CDHR1 (cadherin related family member 1; plus strand). Cytogenetic location: 10q23.1.
Variant type: single nucleotide variant.
Coding change: c.1444C>A on transcript NM_033100.4 (MANE Select); coding-DNA position 1444, C replaced by A.
Protein change: p.Pro482Thr; replaces proline 482 with threonine.
Molecular consequence: missense variant.
Genome position (GRCh38, 1-based): chr10:84,211,124, C>A. VCF-style: chr10-84211124-C-A. GRCh37 (hg19) VCF-style: chr10-85970880-C-A.
Other names: c.1444C>A, p.Pro482Thr (NM_001171971.3); short protein forms P482T.
Identifiers: ClinVar variation 2076060 (VCV002076060.3), dbSNP rs771248221, ClinGen allele CA5579936.